The following is an entry in ClinVar:

NM_001040142.2(SCN2A):c.3711del (p.Ile1238fs)

Gene: SCN2A (sodium voltage-gated channel alpha subunit 2; plus strand). Cytogenetic location: 2q24.3.
Variant type: Deletion.
Coding change: c.3711del on transcript NM_001040142.2 (MANE Select); coding-DNA position 3711, one base deleted (C; older notation c.3711delC).
Protein change: p.Ile1238fs; shifts the reading frame from isoleucine 1238.
Molecular consequence: frameshift variant.
Genome position (GRCh38, 1-based): chr2:165,370,161, C deleted; the last of 2 consecutive C bases (chr2:165,370,160-165,370,161); deleting either gives the same sequence. VCF-style (leftmost placement, unchanged base first): chr2-165370159-AC-A. GRCh37 (hg19) VCF-style: chr2-166226669-AC-A.
Other names: c.3711del, p.Ile1238fs (NM_001040143.2, NM_001371246.1, NM_001371247.1 and 1 more transcripts); short protein forms I1238fs.
Identifiers: ClinVar variation 1098412 (VCV001098412.2), dbSNP rs2105365149, ClinGen allele CA2499215162.

ClinVar aggregate classification (germline): Likely pathogenic (1 of 4 stars; one submission).

Submission:

Genetics Laboratory, UDIAT-Centre Diagnòstic, Hospital Universitari Parc Tauli
Classification: Likely pathogenic. Last evaluated: 2021-04-26. Review status: criteria provided, single submitter. Criteria: Parc Tauli Hospital Assertion Criteria 2021. Collection method: clinical testing. Allele origin: unknown. Inheritance: Autosomal dominant inheritance. Affected: yes. Observed: 1 heterozygote.
Comment: PVS1_very strong;PM2_supporting